The following is an entry in ClinVar:

ClinVar aggregate classification (germline): Uncertain significance. Review status: criteria provided, multiple submitters, no conflicts (2 of 4 stars). 2 submissions from 2 submitters: Uncertain significance (2). Last evaluated 2025-10-21.

Conditions:
Proline dehydrogenase deficiency (HYRPRO1). Also called: PROLINE OXIDASE DEFICIENCY; Hyperprolinemia type 1. Identifiers: Orphanet 419, MedGen C0268529, MONDO:0009400, OMIM 239500.
Schizophrenia 4 (SCZD4). Also called: SCHIZOPHRENIA SUSCEPTIBILITY LOCUS, CHROMOSOME 22q11-RELATED; SCHIZOPHRENIA, SUSCEPTIBILITY TO, 4. Identifiers: MedGen C1833247, MONDO:0010943, OMIM 600850.

Submissions (2):

Labcorp Genetics (formerly Invitae), Labcorp
Classification: Uncertain significance for Proline dehydrogenase deficiency. Last evaluated: 2025-10-21. Review status: criteria provided, single submitter. Criteria: Invitae Variant Classification Sherloc (09022015). Collection method: clinical testing. Allele origin: germline.
Comment: This sequence change replaces leucine, which is neutral and non-polar, with valine, which is neutral and non-polar, at codon 395 of the PRODH protein (p.Leu395Val). This variant is present in population databases (rs765513145, gnomAD 0.09%). This variant has not been reported in the literature in individuals affected with PRODH-related conditions. ClinVar contains an entry for this variant (Variation ID: 3587803). Invitae Evidence Modeling of protein sequence and biophysical properties (such as structural, functional, and spatial information, amino acid conservation, physicochemical variation, residue mobility, and thermodynamic stability) indicates that this missense variant is not expected to disrupt PRODH protein function with a negative predictive value of 80%. In summary, the available evidence is currently insufficient to determine the role of this variant in disease. Therefore, it has been classified as a Variant of Uncertain Significance.

Fulgent Genetics
Classification: Uncertain significance for Proline dehydrogenase deficiency; Schizophrenia 4. Last evaluated: 2024-01-09. Review status: criteria provided, single submitter. Criteria: ACMG Guidelines, 2015. Collection method: clinical testing. Allele origin: germline.

NM_016335.6(PRODH):c.1183C>G (p.Leu395Val)

Gene: PRODH (proline dehydrogenase 1; minus strand). Cytogenetic location: 22q11.21.
Variant type: single nucleotide variant.
Coding change: c.1183C>G on transcript NM_016335.6 (MANE Select); coding-DNA position 1183, C replaced by G.
Protein change: p.Leu395Val; replaces leucine 395 with valine.
Molecular consequence: missense variant.
Genome position (GRCh38, 1-based): chr22:18,919,519, G>C on the plus strand (C>G on the coding strand, the complement: PRODH is on the minus strand). VCF-style: chr22-18919519-G-C. GRCh37 (hg19) VCF-style: chr22-18907032-G-C.
Other names: c.859C>G, p.Leu287Val (NM_001195226.2, NM_001368250.2); short protein forms L287V, L395V.
Identifiers: ClinVar variation 3587803 (VCV003587803.2).